The following is an entry in ClinVar:

NM_201596.3(CACNB2):c.1488+85C>G

Gene: CACNB2 (calcium voltage-gated channel auxiliary subunit beta 2; plus strand). Cytogenetic location: 10p12.31.
Variant type: single nucleotide variant.
Coding change: c.1488+85C>G on transcript NM_201596.3 (MANE Select); 85 bases into the intron after coding-DNA position 1488, C replaced by G.
Molecular consequence: intron variant.
Genome position (GRCh38, 1-based): chr10:18,538,450, C>G. VCF-style: chr10-18538450-C-G. GRCh37 (hg19) VCF-style: chr10-18827379-C-G.
Other names: c.1404+85C>G (NM_201571.4); c.1290+85C>G (NM_001167945.2); c.1332+85C>G (NM_201572.4); c.1374+85C>G (NM_201593.3); c.1416+85C>G (NM_201597.3); c.1323+85C>G (NM_000724.4); c.1209+85C>G (NM_001330060.2); c.1326+85C>G (NM_201590.3); and 1 more.
Identifiers: ClinVar variation 675439 (VCV000675439.2), dbSNP rs11816240, ClinGen allele CA203166801.

ClinVar aggregate classification (germline): Benign. Review status: criteria provided, multiple submitters, no conflicts (2 of 4 stars). 2 submissions from 2 submitters: Benign (2). Last evaluated 2018-06-14.

Allele frequency attached by ClinVar (database versions not stated): gnomAD 0.02515 and 0.02700; TOPMed 0.02857; 1000 Genomes Project 0.02995; 1000 Genomes Project 30x 0.03435.
gnomAD v4.1: 6,406 of 1,172,994 alleles (0.55%); highest among the groups gnomAD compares: African/African-American, 8.7%; 312 homozygotes.

Submissions (2):

GeneDx
Classification: Benign. Last evaluated: 2018-06-14. Review status: criteria provided, single submitter. Criteria: GeneDx Variant Classification (06012015). Collection method: clinical testing. Allele origin: germline. Affected: yes.
Comment: This variant is considered likely benign or benign based on one or more of the following criteria: it is a conservative change, it occurs at a poorly conserved position in the protein, it is predicted to be benign by multiple in silico algorithms, and/or has population frequency not consistent with disease.

Breakthrough Genomics
Classification: Benign. Review status: criteria provided, single submitter. Criteria: ACMG Guidelines, 2015. Collection method: not provided. Allele origin: germline. Inheritance: Autosomal dominant inheritance. Affected: yes.